The following is an entry in ClinVar:

ClinVar aggregate classification (germline): Uncertain significance (1 of 4 stars; one submission).

Conditions:
Atypical hemolytic-uremic syndrome. Identifiers: Orphanet 2134, MedGen C2931788, MONDO:0016244.

Submission:

Genomenon, Inc
Classification: Uncertain significance for Atypical hemolytic-uremic syndrome. Last evaluated: 2025-09-30. Review status: criteria provided, single submitter. Criteria: Genomenon Sequence Variant Interpretation Standards. Collection method: curation. Allele origin: germline. Affected: yes.
Comment: C3 p.Arg1042Leu (c.3125G>T) is a missense variant that changes the amino acid at residue 1042 from Arginine to Leucine. This variant has been observed in at least one proband affected with atypical hemolytic-uremic syndrome (PMID:25608561;28752844;28056875;29511899). Functional studies have been reported; however, the significance of the findings remain unclear (PMID:25608561). It is absent or not present at a significant frequency in gnomAD. In conclusion, we classify C3 p.Arg1042Leu (c.3125G>T) as a variant of unknown significance.

Literature cited by the submitters: PubMed 25608561; PubMed 28752844; PubMed 28056875; PubMed 29511899.

NM_000064.4(C3):c.3125G>T (p.Arg1042Leu)

Gene: C3 (complement C3; minus strand). Cytogenetic location: 19p13.3.
Variant type: single nucleotide variant.
Coding change: c.3125G>T on transcript NM_000064.4 (MANE Select); coding-DNA position 3125, G replaced by T.
Protein change: p.Arg1042Leu; replaces arginine 1042 with leucine.
Molecular consequence: missense variant.
Genome position (GRCh38, 1-based): chr19:6,694,460, C>A on the plus strand (G>T on the coding strand, the complement: C3 is on the minus strand). VCF-style: chr19-6694460-C-A. GRCh37 (hg19) VCF-style: chr19-6694471-C-A.
Other names: short protein forms R1042L.
Identifiers: ClinVar variation 4280188 (VCV004280188.1).
Genomic context (GRCh38, chr19:6,694,460, plus strand): 5'-CTGGGGTCTCCAAGAGGGGCAGGGAGCCCACCCTTCTTGATGAGCTCCAAGGCCCCCTGC[C>A]GCTTCTCTAGGCCGAACTTCTCCCACTGCTCCGTTTCATCCAGGTAATGCACAGCGATGA-3'
Protein context (NP_000055.2, residues 1032-1052): EQWEKFGLEK[Arg1042Leu]QGALELIKKG